The following is an entry in ClinVar:

NM_201384.3(PLEC):c.11438G>A (p.Arg3813His)

Gene: PLEC (plectin; minus strand). Cytogenetic location: 8q24.3.
Variant type: single nucleotide variant.
Coding change: c.11438G>A on transcript NM_201384.3 (MANE Select); coding-DNA position 11438, G replaced by A.
Protein change: p.Arg3813His; replaces arginine 3813 with histidine.
Molecular consequence: missense variant.
Genome position (GRCh38, 1-based): chr8:143,918,383, C>T on the plus strand (G>A on the coding strand, the complement: PLEC is on the minus strand). VCF-style: chr8-143918383-C-T. GRCh37 (hg19) VCF-style: chr8-144992551-C-T.
Other names: c.11519G>A, p.Arg3840His (NM_000445.5); c.11396G>A, p.Arg3799His (NM_201378.4); c.11372G>A, p.Arg3791His (NM_201379.3); c.11849G>A, p.Arg3950His (NM_201380.4); c.11342G>A, p.Arg3781His (NM_201381.3); c.11438G>A, p.Arg3813His (NM_201382.4); c.11450G>A, p.Arg3817His (NM_201383.3); short protein forms R3781H, R3791H, R3799H, R3813H, R3817H, R3840H, R3950H.
Identifiers: ClinVar variation 379928 (VCV000379928.12), dbSNP rs782311906, ClinGen allele CA4924351.

ClinVar aggregate classification (germline): Conflicting classifications of pathogenicity. Review status: criteria provided, conflicting classifications (1 of 4 stars). 4 submissions from 3 submitters: Uncertain significance (3); Likely benign (1). Last evaluated 2023-07-20.

Conditions:
PLEC-related epidermolysis bullosa.
Epidermolysis bullosa simplex 5B, with muscular dystrophy (EBS5B). Also called: Epidermolysis bullosa simplex with muscular dystrophy; EPIDERMOLYSIS BULLOSA SIMPLEX AND LIMB-GIRDLE MUSCULAR DYSTROPHY. Identifiers: Orphanet 257, MedGen C2931072, MONDO:0009181, OMIM 226670.
Epidermolysis bullosa simplex, Ogna type (EBS5A). Also called: Pidermolysis bullosa simplex 5A, Ogna type; EPIDERMOLYSIS BULLOSA SIMPLEX 5A, OGNA TYPE. Identifiers: Orphanet 79401, MedGen C0432317, MONDO:0007555, OMIM 131950.
Autosomal recessive limb-girdle muscular dystrophy type 2Q (LGMDR17). Also called: MUSCULAR DYSTROPHY, LIMB-GIRDLE, AUTOSOMAL RECESSIVE 17. Identifiers: Orphanet 254361, MedGen C3150989, MONDO:0013390, OMIM 613723.
Epidermolysis bullosa simplex 5C, with pyloric atresia (EBS5C). Also called: PLEC-Related Epidermolysis Bullosa with Pyloric Atresia; Epidermolysis bullosa simplex with pyloric atresia; PLEC1-Related Epidermolysis Bullosa with Pyloric Atresia. Identifiers: Orphanet 158684, MedGen C2677349, MONDO:0012807, OMIM 612138.
Epidermolysis bullosa simplex with nail dystrophy (EBS5D). Identifiers: MedGen C4225309, MONDO:0014661, OMIM 616487.

Allele frequency attached by ClinVar (database versions not stated): gnomAD exomes 0.00003 and 0.00008; gnomAD 0.00005; TOPMed 0.00008; ExAC 0.00014.
gnomAD v4.1: 46 of 1,564,558 alleles (0.0029%); highest among the groups gnomAD compares: African/African-American, 0.015%; no homozygotes.

Submissions (4):

Labcorp Genetics (formerly Invitae), Labcorp
Classification: Uncertain significance for Autosomal recessive limb-girdle muscular dystrophy type 2Q; Epidermolysis bullosa simplex, Ogna type; Epidermolysis bullosa simplex with nail dystrophy; Epidermolysis bullosa simplex 5C, with pyloric atresia; Epidermolysis bullosa simplex 5B, with muscular dystrophy. Last evaluated: 2023-07-20. Review status: criteria provided, single submitter. Criteria: Invitae Variant Classification Sherloc (09022015). Collection method: clinical testing. Allele origin: germline.
Comment: ClinVar contains an entry for this variant (Variation ID: 379928). Algorithms developed to predict the effect of missense changes on protein structure and function output the following: SIFT: "Not Available"; PolyPhen-2: "Benign"; Align-GVGD: "Not Available". The histidine amino acid residue is found in multiple mammalian species, which suggests that this missense change does not adversely affect protein function. In summary, the available evidence is currently insufficient to determine the role of this variant in disease. Therefore, it has been classified as a Variant of Uncertain Significance. This variant has not been reported in the literature in individuals affected with PLEC-related conditions. This sequence change replaces arginine, which is basic and polar, with histidine, which is basic and polar, at codon 3840 of the PLEC protein (p.Arg3840His). This variant is present in population databases (rs782311906, gnomAD 0.03%).

Illumina Laboratory Services, Illumina
Classification: Uncertain significance for PLEC-related epidermolysis bullosa. Last evaluated: 2020-08-03. Review status: criteria provided, single submitter. Criteria: ICSLVariantClassificationCriteria RUGD 01 April 2020. Collection method: clinical testing. Allele origin: unknown.
Comment: The PLEC c.11519G>A (p.Arg3840His) variant is a missense variant. A literature search was performed for the gene, cDNA change, and amino acid change. No publications were found based on this search. This variant is found at a frequency of 0.0003260 in the African population of the Genome Aggregation Database. To date, only null variants have been reported in association with autosomal recessive forms of the disease (Pfender et al. 2005). Based on the limited evidence, the p.Arg3840His variant is classified as a variant of uncertain significance for PLEC-related epidermolysis bullosa.

Illumina Laboratory Services, Illumina
Classification: Uncertain significance for Epidermolysis bullosa simplex, Ogna type. Last evaluated: 2020-08-03. Review status: criteria provided, single submitter. Criteria: ICSLVariantClassificationCriteria RUGD 01 April 2020. Collection method: clinical testing. Allele origin: unknown.
Comment: The PLEC c.11519G>A p.(Arg3840His) variant is a missense variant. A literature search was performed for the gene, cDNA change, and amino acid change. No publications were found based on this search. This variant is found at a frequency of 0.0003260 in the African population of the Genome Aggregation Database (version 2.1.1). To date, only null variants have been reported in association with autosomal recessive forms of the disease (Pfender et al. 2005). Based on the limited evidence, the c.11519G>A p.(Arg3840His) variant is classified as a variant of uncertain significance for epidermolysis bullosa simplex.

GeneDx
Classification: Likely benign. Last evaluated: 2015-06-04. Review status: criteria provided, single submitter. Criteria: GeneDx Variant Classification (06012015). Collection method: clinical testing. Allele origin: germline. Affected: yes.
Comment: This variant is considered likely benign or benign based on one or more of the following criteria: it is a conservative change, it occurs at a poorly conserved position in the protein, it is predicted to be benign by multiple in silico algorithms, and/or has population frequency not consistent with disease.

Literature cited by the submitters: PubMed 15810881 (cited by Illumina Laboratory Services, Illumina).